The following is an entry in ClinVar:

NM_007373.4(SHOC2):c.1301A>G (p.Asn434Ser)

Gene: SHOC2 (SHOC2 leucine rich repeat scaffold protein; plus strand). Cytogenetic location: 10q25.2.
Variant type: single nucleotide variant.
Coding change: c.1301A>G on transcript NM_007373.4 (MANE Select); coding-DNA position 1301, A replaced by G.
Protein change: p.Asn434Ser; replaces asparagine 434 with serine.
Molecular consequence: missense variant. On other transcripts: non-coding transcript variant (1).
Genome position (GRCh38, 1-based): chr10:111,009,264, A>G. VCF-style: chr10-111009264-A-G. GRCh37 (hg19) VCF-style: chr10-112769022-A-G.
Other names: c.1163A>G, p.Asn388Ser (NM_001269039.3, NM_001441186.1); c.1301A>G, p.Asn434Ser (NM_001324336.2, NM_001324337.2, NM_001441184.1 and 2 more transcripts); c.632A>G, p.Asn211Ser (NM_001441188.1); c.218A>G, p.Asn73Ser (NM_001441189.1, NM_001441190.1, NM_001441191.1); short protein forms N211S, N388S, N434S, N73S.
Identifiers: ClinVar variation 5029551 (VCV005029551.1).

ClinVar aggregate classification (germline): Uncertain significance (1 of 4 stars; one submission).

Conditions:
Cardiovascular phenotype. Identifiers: MedGen CN230736.

Submission:

Ambry Genetics
Classification: Uncertain significance for Cardiovascular phenotype. Last evaluated: 2026-07-21. Review status: criteria provided, single submitter. Criteria: Ambry Variant Classification Scheme 2023. Collection method: clinical testing. Allele origin: germline.
Comment: The p.N434S variant (also known as c.1301A>G), located in coding exon 6 of the SHOC2 gene, results from an A to G substitution at nucleotide position 1301. The asparagine at codon 434 is replaced by serine, an amino acid with highly similar properties. This amino acid position is conserved. In addition, this alteration is predicted to be tolerated by in silico analysis. Based on the available evidence, the clinical significance of this variant remains unclear.